The following is an entry in ClinVar:

ClinVar aggregate classification (germline): Uncertain significance (0 of 4 stars; one submission).

Conditions:
Prostate cancer. Also called: Malignant tumor of prostate. Identifiers: Orphanet 1331, MedGen C0376358, MONDO:0008315, HP:0012125.

Allele frequency attached by ClinVar (database versions not stated): gnomAD exomes 0.00003 and 0.00005; 1000 Genomes Project 30x 0.00016; TOPMed 0.00006; ExAC 0.00004; gnomAD 0.00006; 1000 Genomes Project 0.00020.
gnomAD v4.1: 50 of 1,613,570 alleles (0.0031%); highest among the groups gnomAD compares: Non-Finnish European, 0.0036%; no homozygotes.

Submission:

Science for Life laboratory,  Karolinska Institutet
Classification: Uncertain significance for Malignant tumor of prostate. Review status: no assertion criteria provided. Collection method: not provided. Allele origin: somatic.
Comment: TumorID:SWE-10
ClinVar note: Converted during submission from Unknown to Uncertain significance.

NM_138778.5(DPH7):c.932A>G (p.Asn311Ser)

Gene: DPH7 (diphthamide biosynthesis 7; minus strand). Cytogenetic location: 9q34.3.
Variant type: single nucleotide variant.
Coding change: c.932A>G on transcript NM_138778.5 (MANE Select); coding-DNA position 932, A replaced by G.
Protein change: p.Asn311Ser; replaces asparagine 311 with serine.
Molecular consequence: missense variant.
Genome position (GRCh38, 1-based): chr9:137,564,451, T>C on the plus strand (A>G on the coding strand, the complement: DPH7 is on the minus strand). VCF-style: chr9-137564451-T-C. GRCh37 (hg19) VCF-style: chr9-140458903-T-C.
Other names: c.866A>G, p.Asn289Ser (NM_001346370.2, NM_001346374.2); c.932A>G, p.Asn311Ser (NM_001346371.2, NM_001346372.2); c.530A>G, p.Asn177Ser (NM_001346373.2); c.404A>G, p.Asn135Ser (NM_001346375.2, NM_001346376.2, NM_001346377.2 and 15 more transcripts); c.338A>G, p.Asn113Ser (NM_001346393.2, NM_001346394.2, NM_001346395.2 and 1 more transcripts); short protein forms N311S, N135S, N289S, N113S, N177S.
Identifiers: ClinVar variation 161804 (VCV000161804.2), dbSNP rs193920785, ClinGen allele CA174816.